The following is an entry in ClinVar:

NM_001999.4(FBN2):c.2486C>T (p.Thr829Met)

Gene: FBN2 (fibrillin 2; minus strand). Cytogenetic location: 5q23.3.
Variant type: single nucleotide variant.
Coding change: c.2486C>T on transcript NM_001999.4 (MANE Select); coding-DNA position 2486, C replaced by T.
Protein change: p.Thr829Met; replaces threonine 829 with methionine.
Molecular consequence: missense variant.
Genome position (GRCh38, 1-based): chr5:128,361,791, G>A on the plus strand (C>T on the coding strand, the complement: FBN2 is on the minus strand). VCF-style: chr5-128361791-G-A. GRCh37 (hg19) VCF-style: chr5-127697484-G-A.
Other names: c.2486C>T (NM_001999.3); short protein forms T829M.
Identifiers: ClinVar variation 2083220 (VCV002083220.5), dbSNP rs575873653, ClinGen allele CA3395532.

ClinVar aggregate classification (germline): Conflicting classifications of pathogenicity. Review status: criteria provided, conflicting classifications (1 of 4 stars). 2 submissions from 2 submitters: Uncertain significance (1); Likely benign (1). Last evaluated 2025-12-25.

Conditions:
Congenital contractural arachnodactyly (CCA). Also called: BEALS SYNDROME; Beals-Hecht syndrome; Arthrogryposis, distal, type 9. Identifiers: Orphanet 115, MedGen C0220668, MONDO:0007363, OMIM 121050.

Allele frequency attached by ClinVar (database versions not stated): ExAC 0.00003; gnomAD exomes 0.00003; gnomAD 0.00005; TOPMed 0.00005; 1000 Genomes Project 30x 0.00031; 1000 Genomes Project 0.00040.
gnomAD v4.1: 52 of 1,614,030 alleles (0.0032%); highest among the groups gnomAD compares: African/African-American, 0.0067%; no homozygotes.

Submissions (2):

Labcorp Genetics (formerly Invitae), Labcorp
Classification: Likely benign for Congenital contractural arachnodactyly. Last evaluated: 2025-12-25. Review status: criteria provided, single submitter. Criteria: Invitae Variant Classification Sherloc (09022015). Collection method: clinical testing. Allele origin: germline.

GeneDx
Classification: Uncertain significance. Last evaluated: 2024-03-24. Review status: criteria provided, single submitter. Criteria: GeneDx Variant Classification Process June 2021. Collection method: clinical testing. Allele origin: germline. Affected: yes.
Comment: Has not been previously published as pathogenic or benign to our knowledge; Although located in a calcium-binding EGF-like domain of the FBN2 gene, it does not substitute or introduce a cysteine residue (PMID: 19006240, 18767143); In silico analysis supports that this missense variant has a deleterious effect on protein structure/function; This variant is associated with the following publications: (PMID: 19006240, 18767143)